The following is an entry in ClinVar:

ClinVar aggregate classification (germline): Uncertain significance. Review status: criteria provided, multiple submitters, no conflicts (2 of 4 stars). 2 submissions from 2 submitters: Uncertain significance (2). Last evaluated 2022-10-17.

Conditions:
Catecholaminergic polymorphic ventricular tachycardia 1. Also called: VENTRICULAR TACHYCARDIA, CATECHOLAMINERGIC POLYMORPHIC, 1, WITH OR WITHOUT ATRIAL DYSFUNCTION AND/OR DILATED CARDIOMYOPATHY; VENTRICULAR TACHYCARDIA, STRESS-INDUCED POLYMORPHIC 1; RYR2-Related Catecholaminergic Polymorphic Ventricular Tachycardia. Identifiers: Orphanet 3286, MedGen C1631597, MONDO:0011484, OMIM 604772.
Cardiovascular phenotype. Identifiers: MedGen CN230736.

Allele frequency attached by ClinVar (database versions not stated): gnomAD 0.00001; TOPMed 0.00001.

Submissions (2):

Labcorp Genetics (formerly Invitae), Labcorp
Classification: Uncertain significance for Catecholaminergic polymorphic ventricular tachycardia 1. Last evaluated: 2022-10-17. Review status: criteria provided, single submitter. Criteria: Invitae Variant Classification Sherloc (09022015). Collection method: clinical testing. Allele origin: germline.
Comment: This variant has not been reported in the literature in individuals affected with RYR2-related conditions. Experimental studies and prediction algorithms are not available or were not evaluated, and the functional significance of this variant is currently unknown. In summary, the available evidence is currently insufficient to determine the role of this variant in disease. Therefore, it has been classified as a Variant of Uncertain Significance. This variant is not present in population databases (gnomAD no frequency). This variant, c.12898_12909del, results in the deletion of 4 amino acid(s) of the RYR2 protein (p.Ser4300_Arg4303del), but otherwise preserves the integrity of the reading frame.

Ambry Genetics
Classification: Uncertain significance for Cardiovascular phenotype. Last evaluated: 2022-02-16. Review status: criteria provided, single submitter. Criteria: Ambry Variant Classification Scheme 2023. Collection method: clinical testing. Allele origin: germline.
Comment: The c.12898_12909del12 variant (also known as p.S4300_R4303del) is located in coding exon 90 of the RYR2 gene. This variant results from an in-frame AGCGTTTTCAGA deletion at nucleotide positions 12898 to 12909. This results in the in-frame deletion of a four amino acids at codon 4300 to 4303. This amino acid position ranges from highly to poorly conserved in available vertebrate species. Since supporting evidence is limited at this time, the clinical significance of this alteration remains unclear.

NM_001035.3(RYR2):c.12898_12909del (p.Ser4300_Arg4303del)

Genes: RYR2 (ryanodine receptor 2; plus strand), LOC126806068 (BRD4-independent group 4 enhancer GRCh37_chr1:237947411-237948610; plus strand). Cytogenetic location: 1q43.
Variant type: Deletion.
Coding change: c.12898_12909del on transcript NM_001035.3 (MANE Select); coding-DNA positions 12898 to 12909, 12 bases deleted (AGCGTTTTCAGA).
Protein change: p.Ser4300_Arg4303del.
Molecular consequence: inframe deletion.
Genome position (GRCh38, 1-based): chr1:237,784,610-237,784,621, AGCGTTTTCAGA deleted. VCF-style (leftmost placement, unchanged base first): chr1-237784609-CAGCGTTTTCAGA-C. GRCh37 (hg19) VCF-style: chr1-237947909-CAGCGTTTTCAGA-C.
Identifiers: ClinVar variation 1769030 (VCV001769030.7), dbSNP rs1695399281, ClinGen allele CA1013756271.